The following is an entry in ClinVar:

NM_004977.3(KCNC3):c.1714C>G (p.Pro572Ala)

Gene: KCNC3 (potassium voltage-gated channel subfamily C member 3; minus strand). Cytogenetic location: 19q13.33.
Variant type: single nucleotide variant.
Coding change: c.1714C>G on transcript NM_004977.3 (MANE Select); coding-DNA position 1714, C replaced by G.
Protein change: p.Pro572Ala; replaces proline 572 with alanine.
Molecular consequence: missense variant.
Genome position (GRCh38, 1-based): chr19:50,323,239, G>C on the plus strand (C>G on the coding strand, the complement: KCNC3 is on the minus strand). VCF-style: chr19-50323239-G-C. GRCh37 (hg19) VCF-style: chr19-50826496-G-C.
Other names: c.1486C>G, p.Pro496Ala (NM_001372305.1); short protein forms P496A, P572A.
Identifiers: ClinVar variation 3363465 (VCV003363465.1).

ClinVar aggregate classification (germline): Uncertain significance (1 of 4 stars; one submission).

Submission:

GeneDx
Classification: Uncertain significance. Last evaluated: 2023-11-01. Review status: criteria provided, single submitter. Criteria: GeneDx Variant Classification Process June 2021. Collection method: clinical testing. Allele origin: germline. Affected: yes.
Comment: Not observed at significant frequency in large population cohorts (gnomAD); In silico analysis supports that this missense variant has a deleterious effect on protein structure/function; Has not been previously published as pathogenic or benign to our knowledge